The following is an entry in ClinVar:

ClinVar aggregate classification (germline): Pathogenic (1 of 4 stars; one submission).

Submission:

Quest Diagnostics Nichols Institute San Juan Capistrano
Classification: Pathogenic. Last evaluated: 2023-11-10. Review status: criteria provided, single submitter. Criteria: ACMG/ClinGen CNV Guidelines, 2019. Collection method: clinical testing. Allele origin: unknown.
Comment: This gain contains gene SOX3 (OMIM 313430; Rehm 2015), duplications of which have been associated with X-linked disorders (OMIM 300123; OMIM 312000; Rosolowsky 2020) with incomplete penetrance (Bauters 2014). Both XX and XY genotypes may present with phenotypes (Arya 2019, Butler 2022, Hureaux 2019, Uguen 2015, Moalem 2012, Oroz 2022, Sutton 2011). There are no similar copy number gains of this region in the general populations of the Database of Genomic Variants. Thus, this copy number variant (CNV) is classified as pathogenic. References: Arya et al., Horm Res Paediatr. 2019;92(6):382-389. PMID: 31678974; Bauters et al., Am J Med Genet A. 2014 Aug;164A(8):1947-52. PMID: 24737742; Butler et al., Am J Med Genet A. 2022 May;188(5):1572-1577. PMID: 35098650; Hureaux et al., Prenat Diagn. 2019 Oct;39(11):1026-1034. PMID: 31299102; Moalem et al., Am J Med Genet A. 2012 Jul;158A(7):1759-64. PMID: 22678921; Oroz et al., J Pediatr Endocrinol Metab. 2022 Oct 4. PMID: 36189645; Rehm et al., N Engl J Med. 2015 Jun 4;372(23):2235-42. PMID: 26014595 (HGNC:11199); Rosolowsky et al., J Pediatr Endocrinol Metab. 2020 Mar 26;33(3):443-447. PMID: 26352083; Sutton et al., J Clin Invest. 2011 Jan;121(1):328-41. PMID: 21183788; Uguen et al., Am J Med Genet A. 2015 Jul;167(7):1676-8. PMID: 25900196'

GRCh37/hg19 Xq27.1(chrX:139102161-139705958)x2

Gene: SOX3 (SRY-box transcription factor 3; minus strand). Cytogenetic location: Xq27.1.
Variant type: copy number gain.
Change: copy number 2 of chrX:139,102,161-139,705,958 (603.8 kb, GRCh37 coordinates, 1-based), cytogenetic band Xq27.1.
Identifiers: ClinVar variation 3391866 (VCV003391866.1).